The following is an entry in ClinVar:

ClinVar aggregate classification (germline): Uncertain significance (1 of 4 stars; one submission).

Allele frequency attached by ClinVar (database versions not stated): TOPMed below 0.00001; ExAC 0.00001; gnomAD 0.00001.

Submission:

Labcorp Genetics (formerly Invitae), Labcorp
Classification: Uncertain significance. Last evaluated: 2022-05-03. Review status: criteria provided, single submitter. Criteria: Invitae Variant Classification Sherloc (09022015). Collection method: clinical testing. Allele origin: germline.
Comment: In summary, the available evidence is currently insufficient to determine the role of this variant in disease. Therefore, it has been classified as a Variant of Uncertain Significance. Experimental studies and prediction algorithms are not available or were not evaluated, and the functional significance of this variant is currently unknown. This variant has not been reported in the literature in individuals affected with PDE6H-related conditions. This variant is not present in population databases (gnomAD no frequency). This sequence change affects the initiator methionine of the PDE6H mRNA. The next in-frame methionine is located at codon 53.

NM_006205.3(PDE6H):c.3G>C (p.Met1Ile)

Gene: PDE6H (phosphodiesterase 6H; plus strand). Cytogenetic location: 12p12.3.
Variant type: single nucleotide variant.
Coding change: c.3G>C on transcript NM_006205.3 (MANE Select); coding-DNA position 3, G replaced by C.
Protein change: p.Met1Ile; changes the start codon (methionine 1).
Molecular consequence: missense variant, initiator codon variant.
Genome position (GRCh38, 1-based): chr12:14,978,015, G>C. VCF-style: chr12-14978015-G-C. GRCh37 (hg19) VCF-style: chr12-15130949-G-C.
Other names: short protein forms M1I.
Identifiers: ClinVar variation 2132603 (VCV002132603.5), dbSNP rs753592061, ClinGen allele CA6465831.